The following is an entry in ClinVar:

ClinVar aggregate classification (germline): Pathogenic (0 of 4 stars; one submission).

Conditions:
Aplastic anemia. Identifiers: Orphanet 182040, Orphanet 88, MedGen C0002874, MONDO:0015909, OMIM 609135, HP:0001915.

Submission:

GeneReviews
Classification: Pathogenic for Dyskeratosis Congenita. Last evaluated: 2012-05-10. Review status: no assertion criteria provided. Collection method: curation. Allele origin: unknown.
ClinVar note: Converted during submission from pathologic to Pathogenic.

NR_001566.3(TERC):n.323C>T

Genes: TERC (telomerase RNA component; minus strand), LOC110806306 (telomerase RNA component (TERC) promoter; plus strand). Cytogenetic location: 3q26.2.
Variant type: single nucleotide variant.
Genome position: GRCh38 VCF-style: chr3-169764738-G-A. GRCh37 (hg19) VCF-style: chr3-169482526-G-A.
Other names: NR_001566.1:r.323c>u (C323T).
Identifiers: ClinVar variation 39291 (VCV000039291.3), dbSNP rs199422281, ClinGen allele CA343763.